The following is an entry in ClinVar:

NM_003172.4(SURF1):c.800T>C (p.Leu267Pro)

Gene: SURF1 (SURF1 cytochrome c oxidase assembly factor; minus strand). Cytogenetic location: 9q34.2.
Variant type: single nucleotide variant.
Coding change: c.800T>C on transcript NM_003172.4 (MANE Select); coding-DNA position 800, T replaced by C.
Protein change: p.Leu267Pro; replaces leucine 267 with proline.
Molecular consequence: missense variant.
Genome position (GRCh38, 1-based): chr9:133,352,094, A>G on the plus strand (T>C on the coding strand, the complement: SURF1 is on the minus strand). VCF-style: chr9-133352094-A-G. GRCh37 (hg19) VCF-style: chr9-136218949-A-G.
Other names: c.473T>C, p.Leu158Pro (NM_001280787.1); short protein forms L267P, L158P.
Identifiers: ClinVar variation 2058692 (VCV002058692.3), dbSNP rs782751238, ClinGen allele CA200832056.

ClinVar aggregate classification (germline): Uncertain significance (1 of 4 stars; one submission).

Conditions:
Leigh syndrome (NULS). Also called: Leigh Syndrome (mtDNA deletion); Leigh's necrotizing encephalopathy; Leigh's disease; Leigh's syndrome; LEIGH SYNDROME, NUCLEAR; Leigh Disease. Identifiers: Orphanet 506, MedGen C2931891, MONDO:0009723, OMIM 256000.

Allele frequency attached by ClinVar (database versions not stated): gnomAD exomes 0.00001.
gnomAD v4.1: 4 of 1,610,490 alleles (0.00025%); highest among the groups gnomAD compares: Admixed American, 0.0034%; no homozygotes.

Submission:

Labcorp Genetics (formerly Invitae), Labcorp
Classification: Uncertain significance for Leigh syndrome. Last evaluated: 2022-07-15. Review status: criteria provided, single submitter. Criteria: Invitae Variant Classification Sherloc (09022015). Collection method: clinical testing. Allele origin: germline.
Comment: Algorithms developed to predict the effect of missense changes on protein structure and function are either unavailable or do not agree on the potential impact of this missense change (SIFT: "Deleterious"; PolyPhen-2: "Probably Damaging"; Align-GVGD: "Class C0"). This sequence change replaces leucine, which is neutral and non-polar, with proline, which is neutral and non-polar, at codon 267 of the SURF1 protein (p.Leu267Pro). This variant is present in population databases (rs782751238, gnomAD 0.006%). This variant has not been reported in the literature in individuals affected with SURF1-related conditions. In summary, the available evidence is currently insufficient to determine the role of this variant in disease. Therefore, it has been classified as a Variant of Uncertain Significance.